The following is an entry in ClinVar:

ClinVar aggregate classification (germline): Uncertain significance (1 of 4 stars; one submission).

Conditions:
Rhabdoid tumor predisposition syndrome 2 (RTPS2). Identifiers: Orphanet 231108, Orphanet 69077, MedGen C2750074, MONDO:0013224, OMIM 613325.

Submission:

Labcorp Genetics (formerly Invitae), Labcorp
Classification: Uncertain significance for Rhabdoid tumor predisposition syndrome 2. Last evaluated: 2022-03-27. Review status: criteria provided, single submitter. Criteria: Invitae Variant Classification Sherloc (09022015). Collection method: clinical testing. Allele origin: germline.
Comment: This variant has not been reported in the literature in individuals affected with SMARCA4-related conditions. This variant is not present in population databases (gnomAD no frequency). This sequence change replaces arginine, which is basic and polar, with proline, which is neutral and non-polar, at codon 966 of the SMARCA4 protein (p.Arg966Pro). Algorithms developed to predict the effect of missense changes on protein structure and function are either unavailable or do not agree on the potential impact of this missense change (SIFT: "Deleterious"; PolyPhen-2: "Probably Damaging"; Align-GVGD: "Class C0"). In summary, the available evidence is currently insufficient to determine the role of this variant in disease. Therefore, it has been classified as a Variant of Uncertain Significance.

NM_003072.5(SMARCA4):c.2897G>C (p.Arg966Pro)

Gene: SMARCA4 (SWI/SNF related BAF chromatin remodeling complex subunit ATPase 4; plus strand). Cytogenetic location: 19p13.2.
Variant type: single nucleotide variant.
Coding change: c.2897G>C on transcript NM_003072.5 (MANE Select); coding-DNA position 2897, G replaced by C.
Protein change: p.Arg966Pro; replaces arginine 966 with proline.
Molecular consequence: missense variant. On other transcripts: non-coding transcript variant (1).
Genome position (GRCh38, 1-based): chr19:11,023,555, G>C. VCF-style: chr19-11023555-G-C. GRCh37 (hg19) VCF-style: chr19-11134231-G-C.
Other names: c.2897G>C, p.Arg966Pro (NM_001128844.3, NM_001128845.2, NM_001128846.2 and 6 more transcripts); short protein forms R966P.
Identifiers: ClinVar variation 1913014 (VCV001913014.5), dbSNP rs2146453003, ClinGen allele CA404057544.
Genomic context (GRCh38, chr19:11,023,555, plus strand): 5'-TCTCCTGTCTTGGGGGCTTCCAGGTGGACCTGAATGAGGAGGAAACCATTCTCATCATCC[G>C]GCGTCTCCACAAAGTGCTGCGGCCCTTCTTGCTCCGACGACTCAAGAAGGAAGTCGAGGC-3'
Protein context (NP_003063.2, residues 956-976): LNEEETILII[Arg966Pro]RLHKVLRPFL